The following is an entry in ClinVar:

NM_000051.4(ATM):c.751G>A (p.Val251Met)

Gene: ATM (ATM serine/threonine kinase; plus strand). Cytogenetic location: 11q22.3.
Variant type: single nucleotide variant.
Coding change: c.751G>A on transcript NM_000051.4 (MANE Select); coding-DNA position 751, G replaced by A.
Protein change: p.Val251Met; replaces valine 251 with methionine.
Molecular consequence: missense variant.
Genome position (GRCh38, 1-based): chr11:108,244,876, G>A. VCF-style: chr11-108244876-G-A. GRCh37 (hg19) VCF-style: chr11-108115603-G-A.
Other names: c.751G>A, p.Val251Met (NM_001351834.2); short protein forms V251M.
Identifiers: ClinVar variation 374539 (VCV000374539.51), dbSNP rs1057519145, ClinGen allele CA16043784.

ClinVar aggregate classification (germline): Conflicting classifications of pathogenicity. Review status: criteria provided, conflicting classifications (1 of 4 stars). 5 submissions from 5 submitters: Uncertain significance (4); Likely benign (1). Last evaluated 2025-05-23.

Conditions:
Hereditary cancer-predisposing syndrome. Also called: Tumor predisposition; Hereditary Cancer Syndrome; Hereditary neoplastic syndrome; Neoplastic Syndromes, Hereditary. Identifiers: Orphanet 140162, MedGen C0027672, MeSH D009386, MONDO:0015356.
Ataxia-telangiectasia syndrome (AT). Also called: Ataxia telangiectasia (A-T); ATAXIA-TELANGIECTASIA, COMPLEMENTATION GROUP A; ATAXIA-TELANGIECTASIA, FRESNO VARIANT; Ataxia-telangiectasia; Ataxia-telangiectasia, complementation group E; Cerebello-oculocutaneous telangiectasia. Identifiers: Orphanet 100, MedGen C0004135, MONDO:0008840, OMIM 208900.

Allele frequency attached by ClinVar (database versions not stated): gnomAD exomes below 0.00001; TOPMed below 0.00001.
gnomAD v4.1: 4 of 1,613,832 alleles (0.00025%); highest among the groups gnomAD compares: Non-Finnish European, 0.00034%; no homozygotes.

Submissions (5):

Labcorp Genetics (formerly Invitae), Labcorp
Classification: Uncertain significance for Ataxia-telangiectasia syndrome. Last evaluated: 2025-05-23. Review status: criteria provided, single submitter. Criteria: Invitae Variant Classification Sherloc (09022015). Collection method: clinical testing. Allele origin: germline.
Comment: This sequence change replaces valine, which is neutral and non-polar, with methionine, which is neutral and non-polar, at codon 251 of the ATM protein (p.Val251Met). This variant is not present in population databases (gnomAD no frequency). This variant has not been reported in the literature in individuals affected with ATM-related conditions. ClinVar contains an entry for this variant (Variation ID: 374539). Invitae Evidence Modeling of protein sequence and biophysical properties (such as structural, functional, and spatial information, amino acid conservation, physicochemical variation, residue mobility, and thermodynamic stability) indicates that this missense variant is not expected to disrupt ATM protein function with a negative predictive value of 95%. In summary, the available evidence is currently insufficient to determine the role of this variant in disease. Therefore, it has been classified as a Variant of Uncertain Significance.

GeneDx
Classification: Uncertain significance. Last evaluated: 2025-04-21. Review status: criteria provided, single submitter. Criteria: GeneDx Variant Classification Process June 2021. Collection method: clinical testing. Allele origin: germline.
Comment: Not observed at significant frequency in large population cohorts (gnomAD); In silico analysis indicates that this missense variant does not alter protein structure/function; Has not been previously published as pathogenic or benign to our knowledge

Ambry Genetics
Classification: Likely benign for Hereditary cancer-predisposing syndrome. Last evaluated: 2024-10-29. Review status: criteria provided, single submitter. Criteria: Ambry Variant Classification Scheme 2023. Collection method: clinical testing. Allele origin: germline.

Blueprint Genetics
Classification: Uncertain significance. Last evaluated: 2023-09-21. Review status: criteria provided, single submitter. Criteria: ACMG Guidelines, 2015. Collection method: clinical testing. Allele origin: germline.

CeGaT Center for Human Genetics Tuebingen
Classification: Uncertain significance. Last evaluated: 2016-08-01. Review status: criteria provided, single submitter. Criteria: CeGaT Center For Human Genetics Tuebingen Variant Classification Criteria Version 2. Collection method: clinical testing. Allele origin: germline. Affected: yes. Observed: 1 variant allele.